The following is an entry in ClinVar:

NM_006231.4(POLE):c.6312C>A (p.Phe2104Leu)

Gene: POLE (DNA polymerase epsilon, catalytic subunit; minus strand). Cytogenetic location: 12q24.33.
Variant type: single nucleotide variant.
Coding change: c.6312C>A on transcript NM_006231.4 (MANE Select); coding-DNA position 6312, C replaced by A.
Protein change: p.Phe2104Leu; replaces phenylalanine 2104 with leucine.
Molecular consequence: missense variant.
Genome position (GRCh38, 1-based): chr12:132,632,333, G>T on the plus strand (C>A on the coding strand, the complement: POLE is on the minus strand). VCF-style: chr12-132632333-G-T. GRCh37 (hg19) VCF-style: chr12-133208919-G-T.
Other names: short protein forms F2104L.
Identifiers: ClinVar variation 641685 (VCV000641685.8), dbSNP rs1555220869, ClinGen allele CA387369234.

ClinVar aggregate classification (germline): Uncertain significance (1 of 4 stars; one submission).

Allele frequency attached by ClinVar (database versions not stated): gnomAD exomes below 0.00001.
gnomAD v4.1: 1 of 1,614,052 alleles (0.000062%); highest among the groups gnomAD compares: South Asian, 0.0011%; no homozygotes.

Submission:

Labcorp Genetics (formerly Invitae), Labcorp
Classification: Uncertain significance. Last evaluated: 2024-08-28. Review status: criteria provided, single submitter. Criteria: Invitae Variant Classification Sherloc (09022015). Collection method: clinical testing. Allele origin: germline.
Comment: This sequence change replaces phenylalanine, which is neutral and non-polar, with leucine, which is neutral and non-polar, at codon 2104 of the POLE protein (p.Phe2104Leu). This variant is not present in population databases (gnomAD no frequency). This variant has not been reported in the literature in individuals affected with POLE-related conditions. ClinVar contains an entry for this variant (Variation ID: 641685). Invitae Evidence Modeling of protein sequence and biophysical properties (such as structural, functional, and spatial information, amino acid conservation, physicochemical variation, residue mobility, and thermodynamic stability) indicates that this missense variant is not expected to disrupt POLE protein function with a negative predictive value of 80%. In summary, the available evidence is currently insufficient to determine the role of this variant in disease. Therefore, it has been classified as a Variant of Uncertain Significance.